The following is an entry in ClinVar:

NM_004100.5(EYA4):c.1318G>C (p.Asp440His)

Genes: EYA4 (EYA transcriptional coactivator and phosphatase 4; plus strand), TARID (TCF21 antisense RNA inducing promoter demethylation; minus strand). Cytogenetic location: 6q23.2.
Variant type: single nucleotide variant.
Coding change: c.1318G>C on transcript NM_004100.5 (MANE Select); coding-DNA position 1318, G replaced by C.
Protein change: p.Asp440His; replaces aspartic acid 440 with histidine.
Molecular consequence: missense variant.
Genome position (GRCh38, 1-based): chr6:133,512,757, G>C. VCF-style: chr6-133512757-G-C. GRCh37 (hg19) VCF-style: chr6-133833895-G-C.
Other names: c.1318G>C (NM_004100.4); c.1156G>C, p.Asp386His (NM_001301012.2); c.1336G>C, p.Asp446His (NM_001301013.2); c.1249G>C, p.Asp417His (NM_001370458.1, NM_172103.4); c.1174G>C, p.Asp392His (NM_001370459.1); c.1318G>C, p.Asp440His (NM_172105.4); short protein forms D386H, D417H, D440H, D446H, D392H.
Identifiers: ClinVar variation 2867490 (VCV002867490.4), dbSNP rs777242256, ClinGen allele CA4008334.
Genomic context (GRCh38, chr6:133,512,757, plus strand): 5'-TAACTTTTCCAATGTTTTTAACAGGAGTGTGATCAAGTTCATATAGATGATGTTTCCTCT[G>C]ATGATAATGGGCAGGACTTAAGGTAAGCTATGCCTTTCAGTATGCTGTTTCCTACAGAAA-3'
Protein context (NP_004091.3, residues 430-450): DQVHIDDVSS[Asp440His]DNGQDLSTYS

ClinVar aggregate classification (germline): Uncertain significance. Review status: criteria provided, multiple submitters, no conflicts (2 of 4 stars). 2 submissions from 2 submitters: Uncertain significance (2). Last evaluated 2023-12-15.

Conditions:
Dilated cardiomyopathy 1J (CMD1J). Also called: CARDIOMYOPATHY, DILATED, WITH SENSORINEURAL HEARING LOSS, AUTOSOMAL DOMINANT. Identifiers: Orphanet 217622, MedGen C1854368, MONDO:0011541, OMIM 605362.
Cardiovascular phenotype. Identifiers: MedGen CN230736.

Allele frequency attached by ClinVar (database versions not stated): ExAC 0.00001.

Submissions (2):

Ambry Genetics
Classification: Uncertain significance for Cardiovascular phenotype. Last evaluated: 2023-12-15. Review status: criteria provided, single submitter. Criteria: Ambry Variant Classification Scheme 2023. Collection method: clinical testing. Allele origin: germline.
Comment: The p.D440H variant (also known as c.1318G>C), located in coding exon 14 of the EYA4 gene, results from a G to C substitution at nucleotide position 1318. The aspartic acid at codon 440 is replaced by histidine, an amino acid with similar properties. This amino acid position is conserved. In addition, this alteration is predicted to be deleterious by in silico analysis. Since supporting evidence is limited at this time, the clinical significance of this alteration remains unclear.

Labcorp Genetics (formerly Invitae), Labcorp
Classification: Uncertain significance for Dilated cardiomyopathy 1J. Last evaluated: 2023-06-29. Review status: criteria provided, single submitter. Criteria: Invitae Variant Classification Sherloc (09022015). Collection method: clinical testing. Allele origin: germline.
Comment: This sequence change replaces aspartic acid, which is acidic and polar, with histidine, which is basic and polar, at codon 440 of the EYA4 protein (p.Asp440His). This variant is present in population databases (rs777242256, gnomAD 0.007%). This variant has not been reported in the literature in individuals affected with EYA4-related conditions. Advanced modeling of protein sequence and biophysical properties (such as structural, functional, and spatial information, amino acid conservation, physicochemical variation, residue mobility, and thermodynamic stability) performed at Invitae indicates that this missense variant is expected to disrupt EYA4 protein function. In summary, the available evidence is currently insufficient to determine the role of this variant in disease. Therefore, it has been classified as a Variant of Uncertain Significance.